The following is an entry in ClinVar:

ClinVar aggregate classification (germline): Uncertain significance. Review status: criteria provided, multiple submitters, no conflicts (2 of 4 stars). 3 submissions from 3 submitters: Uncertain significance (3). Last evaluated 2025-11-24.

Conditions:
Hereditary cancer-predisposing syndrome. Also called: Neoplastic Syndromes, Hereditary; Hereditary neoplastic syndrome; Tumor predisposition; Hereditary Cancer Syndrome. Identifiers: Orphanet 140162, MedGen C0027672, MeSH D009386, MONDO:0015356.
Fanconi anemia complementation group J. Also called: BRIP1-Related Fanconi Anemia. Identifiers: Orphanet 84, MedGen C1836860, MONDO:0012187, OMIM 609054.
Familial cancer of breast. Also called: hereditary breast carcinoma; BREAST CANCER, FAMILIAL; Hereditary breast cancer. Identifiers: Orphanet 227535, MedGen C0346153, MONDO:0016419, OMIM 114480. Disease mechanism: loss of function.

Allele frequency attached by ClinVar (database versions not stated): gnomAD exomes below 0.00001.
gnomAD v4.1: 1 of 1,614,006 alleles (0.000062%); highest among the groups gnomAD compares: Non-Finnish European, 0.000085%; no homozygotes.

Submissions (3):

Labcorp Genetics (formerly Invitae), Labcorp
Classification: Uncertain significance for Familial cancer of breast; Fanconi anemia complementation group J. Last evaluated: 2025-11-24. Review status: criteria provided, single submitter. Criteria: Invitae Variant Classification Sherloc (09022015). Collection method: clinical testing. Allele origin: germline.
Comment: This sequence change replaces glutamine, which is neutral and polar, with proline, which is neutral and non-polar, at codon 903 of the BRIP1 protein (p.Gln903Pro). This variant is not present in population databases (gnomAD no frequency). This variant has not been reported in the literature in individuals affected with BRIP1-related conditions. ClinVar contains an entry for this variant (Variation ID: 844339). Invitae Evidence Modeling of protein sequence and biophysical properties (such as structural, functional, and spatial information, amino acid conservation, physicochemical variation, residue mobility, and thermodynamic stability) indicates that this missense variant is not expected to disrupt BRIP1 protein function with a negative predictive value of 95%. In summary, the available evidence is currently insufficient to determine the role of this variant in disease. Therefore, it has been classified as a Variant of Uncertain Significance.

Color Diagnostics, LLC DBA Color Health
Classification: Uncertain significance for Hereditary cancer-predisposing syndrome. Last evaluated: 2024-03-06. Review status: criteria provided, single submitter. Criteria: ACMG Guidelines, 2015. Collection method: clinical testing. Allele origin: germline.
Comment: This missense variant replaces glutamine with proline at codon 903 of the BRIP1 protein. Computational prediction suggests that this variant may not impact protein structure and function (internally defined REVEL score threshold <= 0.5, PMID: 27666373). To our knowledge, functional studies have not been reported for this variant. This variant has not been reported in individuals affected with hereditary cancer in the literature. This variant has not been identified in the general population by the Genome Aggregation Database (gnomAD). The available evidence is insufficient to determine the role of this variant in disease conclusively. Therefore, this variant is classified as a Variant of Uncertain Significance.

Ambry Genetics
Classification: Uncertain significance for Hereditary cancer-predisposing syndrome. Last evaluated: 2023-11-02. Review status: criteria provided, single submitter. Criteria: Ambry Variant Classification Scheme 2023. Collection method: clinical testing. Allele origin: germline.
Comment: The p.Q903P variant (also known as c.2708A>C), located in coding exon 18 of the BRIP1 gene, results from an A to C substitution at nucleotide position 2708. The glutamine at codon 903 is replaced by proline, an amino acid with similar properties. This amino acid position is not well conserved in available vertebrate species. In addition, this alteration is predicted to be tolerated by in silico analysis. Since supporting evidence is limited at this time, the clinical significance of this alteration remains unclear.

NM_032043.3(BRIP1):c.2708A>C (p.Gln903Pro)

Gene: BRIP1 (BRCA1 interacting DNA helicase 1; minus strand). Cytogenetic location: 17q23.2.
Variant type: single nucleotide variant.
Coding change: c.2708A>C on transcript NM_032043.3 (MANE Select); coding-DNA position 2708, A replaced by C.
Protein change: p.Gln903Pro; replaces glutamine 903 with proline.
Molecular consequence: missense variant.
Genome position (GRCh38, 1-based): chr17:61,686,033, T>G on the plus strand (A>C on the coding strand, the complement: BRIP1 is on the minus strand). VCF-style: chr17-61686033-T-G. GRCh37 (hg19) VCF-style: chr17-59763394-T-G.
Other names: short protein forms Q903P.
Identifiers: ClinVar variation 844339 (VCV000844339.14), dbSNP rs2061357542, ClinGen allele CA400481696.